The following is an entry in ClinVar:

NM_181523.3(PIK3R1):c.1541G>A (p.Arg514His)

Gene: PIK3R1 (phosphoinositide-3-kinase regulatory subunit 1; plus strand). Cytogenetic location: 5q13.1.
Variant type: single nucleotide variant.
Coding change: c.1541G>A on transcript NM_181523.3 (MANE Select); coding-DNA position 1541, G replaced by A.
Protein change: p.Arg514His; replaces arginine 514 with histidine.
Molecular consequence: missense variant.
Genome position (GRCh38, 1-based): chr5:68,294,651, G>A. VCF-style: chr5-68294651-G-A. GRCh37 (hg19) VCF-style: chr5-67590479-G-A.
Other names: c.452G>A, p.Arg151His (NM_001242466.2); c.731G>A, p.Arg244His (NM_181504.4); c.641G>A, p.Arg214His (NM_181524.2); short protein forms R151H, R214H, R244H, R514H.
Identifiers: ClinVar variation 1482312 (VCV001482312.8), dbSNP rs2112270035, ClinGen allele CA359882075.

ClinVar aggregate classification (germline): Uncertain significance (1 of 4 stars; one submission).

Conditions:
Immunodeficiency 36 with lymphoproliferation. Also called: ACTIVATED PI3K-DELTA SYNDROME 2; Immunodeficiency 36; Activated PI3K Delta Syndrome Type 2 (APDS2). Identifiers: Orphanet 397596, Orphanet 693681, MedGen C4014934, MONDO:0014453, OMIM 616005.
SHORT syndrome. Also called: LIPODYSTROPHY, PARTIAL, WITH RIEGER ANOMALY AND SHORT STATURE; PIK3R1-Related SHORT Syndrome; SHORT STATURE, HYPEREXTENSIBILITY, HERNIA, OCULAR DEPRESSION, RIEGER ANOMALY, AND TEETHING DELAY. Identifiers: Orphanet 3163, MedGen C0878684, MONDO:0010026, OMIM 269880.
Agammaglobulinemia 7, autosomal recessive (AGM7). Also called: AGAMMAGLOBULINEMIA, AUTOSOMAL RECESSIVE, DUE TO PIK3R1 DEFECT. Identifiers: MedGen C3554689, MONDO:0014083, OMIM 615214.

gnomAD v4.1: 2 of 1,607,874 alleles (0.00012%); highest among the groups gnomAD compares: Non-Finnish European, 0.00017%; no homozygotes.

Submission:

Labcorp Genetics (formerly Invitae), Labcorp
Classification: Uncertain significance for SHORT syndrome; Immunodeficiency 36 with lymphoproliferation; Agammaglobulinemia 7, autosomal recessive. Last evaluated: 2021-02-19. Review status: criteria provided, single submitter. Criteria: Invitae Variant Classification Sherloc (09022015). Collection method: clinical testing. Allele origin: germline.
Comment: This sequence change replaces arginine with histidine at codon 514 of the PIK3R1 protein (p.Arg514His). The arginine residue is highly conserved and there is a small physicochemical difference between arginine and histidine. This variant is not present in population databases (ExAC no frequency). This variant has not been reported in the literature in individuals with PIK3R1-related conditions. Algorithms developed to predict the effect of missense changes on protein structure and function are either unavailable or do not agree on the potential impact of this missense change (SIFT: "Deleterious"; PolyPhen-2: "Possibly Damaging"; Align-GVGD: "Class C0"). In summary, the available evidence is currently insufficient to determine the role of this variant in disease. Therefore, it has been classified as a Variant of Uncertain Significance.